The following is an entry in ClinVar:

NM_004281.4(BAG3):c.278A>G (p.Tyr93Cys)

Gene: BAG3 (BAG cochaperone 3; plus strand). Cytogenetic location: 10q26.11.
Variant type: single nucleotide variant.
Coding change: c.278A>G on transcript NM_004281.4 (MANE Select); coding-DNA position 278, A replaced by G.
Protein change: p.Tyr93Cys; replaces tyrosine 93 with cysteine.
Molecular consequence: missense variant.
Genome position (GRCh38, 1-based): chr10:119,669,948, A>G. VCF-style: chr10-119669948-A-G. GRCh37 (hg19) VCF-style: chr10-121429460-A-G.
Other names: short protein forms Y93C.
Identifiers: ClinVar variation 4794448 (VCV004794448.1).
Genomic context (GRCh38, chr10:119,669,948, plus strand): 5'-GCTCTAGGCTGCCGCCTGCTAGGGAAGGCCACCCTGTGTACCCCCAGCTCCGACCAGGCT[A>G]CATTCCCATTCCTGTGCTCCATGAAGGCGCTGAGAACCGGCAGGTGCACCCTTTCCATGT-3'
Protein context (NP_004272.2, residues 83-103): HPVYPQLRPG[Tyr93Cys]IPIPVLHEGA

ClinVar aggregate classification (germline): Uncertain significance (1 of 4 stars; one submission).

Conditions:
Myofibrillar myopathy 6. Identifiers: Orphanet 199340, MedGen C2751831, MONDO:0013061, OMIM 612954.
Dilated cardiomyopathy 1HH (CMD1HH). Identifiers: Orphanet 154, MedGen C3151293, MONDO:0013479, OMIM 613881.

gnomAD v4.1: 3 of 1,614,222 alleles (0.00019%); highest among the groups gnomAD compares: Non-Finnish European, 0.00025%; no homozygotes.

Submission:

Labcorp Genetics (formerly Invitae), Labcorp
Classification: Uncertain significance for Dilated cardiomyopathy 1HH; Myofibrillar myopathy 6. Last evaluated: 2025-06-11. Review status: criteria provided, single submitter. Criteria: Invitae Variant Classification Sherloc (09022015). Collection method: clinical testing. Allele origin: germline.
Comment: This sequence change replaces tyrosine, which is neutral and polar, with cysteine, which is neutral and slightly polar, at codon 93 of the BAG3 protein (p.Tyr93Cys). This variant is not present in population databases (gnomAD no frequency). This variant has not been reported in the literature in individuals affected with BAG3-related conditions. Invitae Evidence Modeling of protein sequence and biophysical properties (such as structural, functional, and spatial information, amino acid conservation, physicochemical variation, residue mobility, and thermodynamic stability) indicates that this missense variant is expected to disrupt BAG3 protein function with a positive predictive value of 80%. In summary, the available evidence is currently insufficient to determine the role of this variant in disease. Therefore, it has been classified as a Variant of Uncertain Significance.